The following is an entry in ClinVar:

ClinVar aggregate classification (germline): Likely benign (1 of 4 stars; one submission).

Allele frequency attached by ClinVar (database versions not stated): gnomAD exomes 0.00001; TOPMed 0.00001; gnomAD 0.00002; ExAC 0.00007; ESP Exome Variant Server 0.00017.

Submission:

CeGaT Center for Human Genetics Tuebingen
Classification: Likely benign. Last evaluated: 2023-03-01. Review status: criteria provided, single submitter. Criteria: CeGaT Center For Human Genetics Tuebingen Variant Classification Criteria Version 2. Collection method: clinical testing. Allele origin: germline. Affected: yes. Observed: 1 variant allele.
Comment: MUC2: BP4, BP7

NM_002457.5(MUC2):c.723G>A (p.Val241=)

Gene: MUC2 (mucin 2, oligomeric mucus/gel-forming; plus strand). Cytogenetic location: 11p15.5.
Variant type: single nucleotide variant.
Coding change: c.723G>A on transcript NM_002457.5 (MANE Select); coding-DNA position 723, G replaced by A.
Protein change: p.Val241=; no amino-acid change (valine 241 retained).
Molecular consequence: synonymous variant.
Genome position (GRCh38, 1-based): chr11:1,078,371, G>A. VCF-style: chr11-1078371-G-A. GRCh37 (hg19) VCF-style: chr11-1078515-G-A.
Identifiers: ClinVar variation 2641116 (VCV002641116.24), dbSNP rs375587061, ClinGen allele CA5798236.